The following is an entry in ClinVar:

ClinVar aggregate classification (germline): Likely benign (1 of 4 stars; one submission).

gnomAD v4.1: 15 of 1,614,028 alleles (0.00093%); highest among the groups gnomAD compares: East Asian, 0.0067%; no homozygotes.

Submission:

CeGaT Center for Human Genetics Tuebingen
Classification: Likely benign. Last evaluated: 2026-02-01. Review status: criteria provided, single submitter. Criteria: CeGaT Center For Human Genetics Tuebingen Variant Classification Criteria Version 2. Collection method: clinical testing. Allele origin: germline. Affected: yes. Observed: 1 variant allele.
Comment: RUBCN: BP4, BP7

NM_014687.4(RUBCN):c.1884G>A (p.Ala628=)

Gene: RUBCN (rubicon autophagy regulator; minus strand). Cytogenetic location: 3q29.
Variant type: single nucleotide variant.
Coding change: c.1884G>A on transcript NM_014687.4 (MANE Select); coding-DNA position 1884, G replaced by A.
Protein change: p.Ala628=; no amino-acid change (alanine 628 retained).
Molecular consequence: synonymous variant.
Genome position (GRCh38, 1-based): chr3:197,683,403, C>T on the plus strand (G>A on the coding strand, the complement: RUBCN is on the minus strand). VCF-style: chr3-197683403-C-T. GRCh37 (hg19) VCF-style: chr3-197410274-C-T.
Other names: c.1749G>A, p.Ala583= (NM_001145642.5); c.2001G>A, p.Ala667= (NM_001346873.2).
Identifiers: ClinVar variation 4822578 (VCV004822578.4).